The following is an entry in ClinVar:

NM_000368.5(TSC1):c.3079C>T (p.Arg1027Trp)

Gene: TSC1 (TSC complex subunit 1; minus strand). Cytogenetic location: 9q34.13.
Variant type: single nucleotide variant.
Coding change: c.3079C>T on transcript NM_000368.5 (MANE Select); coding-DNA position 3079, C replaced by T.
Protein change: p.Arg1027Trp; replaces arginine 1027 with tryptophan.
Molecular consequence: missense variant.
Genome position (GRCh38, 1-based): chr9:132,896,651, G>A on the plus strand (C>T on the coding strand, the complement: TSC1 is on the minus strand). VCF-style: chr9-132896651-G-A. GRCh37 (hg19) VCF-style: chr9-135772038-G-A.
Other names: c.3076C>T, p.Arg1026Trp (NM_001162426.2); c.2926C>T, p.Arg976Trp (NM_001162427.2); c.2716C>T, p.Arg906Trp (NM_001362177.2); short protein forms R1027W, R976W, R1026W, R906W.
Identifiers: ClinVar variation 466118 (VCV000466118.25), dbSNP rs375394001, ClinGen allele CA035767.

ClinVar aggregate classification (germline): Conflicting classifications of pathogenicity. Review status: criteria provided, conflicting classifications (1 of 4 stars). 8 submissions from 8 submitters: Uncertain significance (3); Likely benign (5). Last evaluated 2026-02-26.

Conditions:
TSC1-related disorder. Also called: TSC1-related condition.
Hereditary cancer-predisposing syndrome. Also called: Tumor predisposition; Hereditary neoplastic syndrome; Neoplastic Syndromes, Hereditary; Hereditary Cancer Syndrome. Identifiers: Orphanet 140162, MedGen C0027672, MeSH D009386, MONDO:0015356.
Isolated focal cortical dysplasia type II (FCORD2). Also called: CORTICAL DYSPLASIA OF TAYLOR; Focal cortical dysplasia type II. Identifiers: Orphanet 268994, MedGen C1846385, MONDO:0011818, OMIM 607341, HP:0032051.
Tuberous sclerosis 1 (TSC1). Identifiers: Orphanet 805, MedGen C1854465, MONDO:0008612, OMIM 191100.
Lymphangiomyomatosis (LAM). Also called: Lymphangioleiomyomatosis; Lymphangioleiomyomatosis, somatic. Identifiers: Orphanet 538, MedGen C0751674, MONDO:0011705, OMIM 606690.
Tuberous sclerosis syndrome (TSC). Also called: Tuberous Sclerosis Complex; Tuberous sclerosis. Identifiers: Orphanet 805, MedGen C0041341, MONDO:0001734.

Allele frequency attached by ClinVar (database versions not stated): gnomAD 0.00001 and 0.00003; ExAC 0.00002; gnomAD exomes 0.00002 and 0.00004; TOPMed 0.00003; ESP Exome Variant Server 0.00015.
gnomAD v4.1: 33 of 1,613,958 alleles (0.002%); highest among the groups gnomAD compares: Admixed American, 0.01%; no homozygotes.

Submissions (8):

PreventionGenetics, part of Exact Sciences
Classification: Likely benign for TSC1-related condition. Last evaluated: 2026-02-26. Review status: criteria provided, single submitter. Criteria: ACMG Guidelines, 2015. Collection method: clinical testing. Allele origin: germline.
Comment: This variant is classified as likely benign based on ACMG/AMP sequence variant interpretation guidelines (Richards et al. 2015 PMID: 25741868, with internal and published modifications).

Labcorp Genetics (formerly Invitae), Labcorp
Classification: Likely benign for Tuberous sclerosis 1. Last evaluated: 2026-01-24. Review status: criteria provided, single submitter. Criteria: Invitae Variant Classification Sherloc (09022015). Collection method: clinical testing. Allele origin: germline.

Myriad Genetics, Inc.
Classification: Likely benign for Tuberous sclerosis 1. Last evaluated: 2024-08-14. Review status: criteria provided, single submitter. Criteria: Myriad Autosomal Dominant, Autosomal Recessive and X-Linked Classification Criteria (2023). Collection method: clinical testing. Allele origin: unknown.
Comment: This variant is considered likely benign. This variant has been observed at a population frequency that is significantly greater than expected given the associated disease prevalence and penetrance.

Fulgent Genetics
Classification: Uncertain significance for Tuberous sclerosis 1; Lymphangiomyomatosis; Isolated focal cortical dysplasia type II. Last evaluated: 2024-05-03. Review status: criteria provided, single submitter. Criteria: ACMG Guidelines, 2015. Collection method: clinical testing. Allele origin: germline.

Color Diagnostics, LLC DBA Color Health
Classification: Uncertain significance for Tuberous sclerosis syndrome. Last evaluated: 2023-11-15. Review status: criteria provided, single submitter. Criteria: ACMG Guidelines, 2015. Collection method: clinical testing. Allele origin: germline.
Comment: This missense variant replaces arginine with tryptophan at codon 1027 of the TSC1 protein. Computational prediction suggests that this variant may not impact protein structure and function. To our knowledge, functional studies have not been reported for this variant. This variant has not been reported in individuals affected with TSC1-related disorders in the literature. This variant has been identified in 9/249258 chromosomes in the general population by the Genome Aggregation Database (gnomAD). The available evidence is insufficient to determine the role of this variant in disease conclusively. Therefore, this variant is classified as a Variant of Uncertain Significance.

Ambry Genetics
Classification: Likely benign for Hereditary cancer-predisposing syndrome. Last evaluated: 2022-03-25. Review status: criteria provided, single submitter. Criteria: Ambry Variant Classification Scheme 2023. Collection method: clinical testing. Allele origin: germline.

Genome-Nilou Lab
Classification: Likely benign for Tuberous sclerosis 1. Last evaluated: 2021-11-07. Review status: criteria provided, single submitter. Criteria: ACMG Guidelines, 2015. Collection method: clinical testing. Allele origin: germline. Affected: no.

Genetic Services Laboratory, University of Chicago
Classification: Uncertain significance. Last evaluated: 2017-11-15. Review status: criteria provided, single submitter. Criteria: ACMG Guidelines, 2015. Collection method: clinical testing. Allele origin: germline. Affected: no.